The following is an entry in ClinVar:

NM_001195248.2(APTX):c.8G>A (p.Arg3Gln)

Gene: APTX (aprataxin; minus strand). Cytogenetic location: 9p21.1.
Variant type: single nucleotide variant.
Coding change: c.8G>A on transcript NM_001195248.2 (MANE Select); coding-DNA position 8, G replaced by A.
Protein change: p.Arg3Gln; replaces arginine 3 with glutamine.
Molecular consequence: missense variant. On other transcripts: 5 prime UTR variant (8), non-coding transcript variant (13).
Genome position (GRCh38, 1-based): chr9:32,989,884, C>T on the plus strand (G>A on the coding strand, the complement: APTX is on the minus strand). VCF-style: chr9-32989884-C-T. GRCh37 (hg19) VCF-style: chr9-32989882-C-T.
Other names: c.8G>A, p.Arg3Gln (NM_001195249.2, NM_001195250.2, NM_001195251.2 and 11 more transcripts); c.-252G>A (NM_001369002.1, NM_001369003.1, NM_001369005.1 and 4 more transcripts); c.-210G>A (NM_001369004.1); short protein forms R3Q.
Identifiers: ClinVar variation 3418661 (VCV003418661.9).

ClinVar aggregate classification (germline): Uncertain significance. Review status: criteria provided, multiple submitters, no conflicts (2 of 4 stars). 2 submissions from 2 submitters: Uncertain significance (2). Last evaluated 2025-07-01.

Conditions:
Inborn genetic diseases. Identifiers: MedGen C0950123, MeSH D030342.

gnomAD v4.1: 73 of 1,613,882 alleles (0.0045%); highest among the groups gnomAD compares: Middle Eastern, 0.017%; no homozygotes.

Submissions (2):

CeGaT Center for Human Genetics Tuebingen
Classification: Uncertain significance. Last evaluated: 2025-07-01. Review status: criteria provided, single submitter. Criteria: CeGaT Center For Human Genetics Tuebingen Variant Classification Criteria Version 2. Collection method: clinical testing. Allele origin: germline. Affected: yes. Observed: 1 variant allele.
Comment: APTX: PM2

Ambry Genetics
Classification: Uncertain significance for Inborn genetic diseases. Last evaluated: 2024-11-22. Review status: criteria provided, single submitter. Criteria: Ambry Variant Classification Scheme 2023. Collection method: clinical testing. Allele origin: germline.